The following continues an entry in ClinVar:

NM_000414.4(HSD17B4):c.1369A>T (p.Asn457Tyr)

Gene: HSD17B4. ClinVar aggregate classification (germline): Pathogenic/Likely pathogenic. Pathogenic (10); Likely pathogenic (4).

Submissions 13 to 16 of 16:

ARUP Laboratories, Molecular Genetics and Genomics, ARUP Laboratories
Classification: Pathogenic. Last evaluated: 2018-11-28. Review status: criteria provided, single submitter. Criteria: ARUP Molecular Germline Variant Investigation Process. Collection method: clinical testing. Allele origin: germline.
Comment: The HSD17B4 c.1444A>T; p.Asn482Tyr variant (rs137853097), also known as p.Asn457Tyr, is reported in the literature in individuals affected with D-bifunctional protein deficiency, both in the homozygous state and in trans to a pathogenic variant (Ferdinandusse 2006, Nascimento 2015, van Grunsven 1999). Biochemical assays of hydratase function indicate that the p.Asn482Tyr variant has severely impaired enzymatic activity (Tsuchida 2012, van Grunsven 1999). Additionally, another variant at this codon (p.Asn482Asp) has been reported in an individual with D-bifunctional protein deficiency (Ferdinandusse 2006) and was demonstrated to have negligible hydratase activity (Tsuchida 2012). The p.Asn482Tyr variant is reported as pathogenic/likely pathogenic by multiple laboratories in ClinVar (Variation ID: 7656) and it is found on only four chromosomes in the Genome Aggregation Database, indicating it is not a common polymorphism. The asparagine at codon 482 is highly conserved, and computational analyses (SIFT, PolyPhen-2) predict that this variant is deleterious. Based on available information, this variant is considered to be pathogenic. References: Ferdinandusse S et al. Mutational spectrum of D-bifunctional protein deficiency and structure-based genotype-phenotype analysis. Am J Hum Genet. 2006 Jan;78(1):112-24. Nascimento J et al. D-bifunctional protein deficiency: a cause of neonatal onset seizures and hypotonia. Pediatr Neurol. 2015 May;52(5):539-43. Tsuchida S et al. Hydratase activities of green fluorescent protein tagged human multifunctional enzyme type 2 hydratase domain and its variants. J Oleo Sci. 2012;61(8):443-50. van Grunsven EG et al. Enoyl-CoA hydratase deficiency: identification of a new type of D-bifunctional protein deficiency. Hum Mol Genet. 1999 Aug;8(8):1509-16.

Clinical Genetics Service, Universitary Hospital 12 de Octubre
Classification: Pathogenic for Bifunctional peroxisomal enzyme deficiency. Review status: criteria provided, single submitter. Criteria: ACMG Guidelines, 2015. Collection method: clinical testing. Allele origin: germline. Affected: yes.

Division of Human Genetics, Children's Hospital of Philadelphia
Classification: Likely pathogenic for Bifunctional peroxisomal enzyme deficiency; Perrault syndrome 1. Last evaluated: 2015-12-15. Review status: no assertion criteria provided. Collection method: research. Allele origin: germline. Study: CSER-PediSeq. Not counted in ClinVar's aggregate classification.

OMIM
Classification: Pathogenic for D-BIFUNCTIONAL PROTEIN DEFICIENCY. Last evaluated: 1999-08-01. Review status: no assertion criteria provided. Collection method: literature only. Allele origin: germline. Not counted in ClinVar's aggregate classification.

Literature cited by the submitters: PubMed 10400999 (cited by 6 submitters); PubMed 16385454 (cited by 4 submitters); PubMed 23181892 (cited by Labcorp Genetics (formerly Invitae), Labcorp); PubMed 25882080 (cited by 4 submitters); PubMed 22864515 (cited by 4 submitters); PubMed 12562856 (cited by Myriad Genetics, Inc.).